The following is an entry in ClinVar:

NM_006269.2(RP1):c.4642A>T (p.Ser1548Cys)

Gene: RP1 (RP1 axonemal microtubule associated; plus strand). Cytogenetic location: 8q12.1.
Variant type: single nucleotide variant.
Coding change: c.4642A>T on transcript NM_006269.2 (MANE Select); coding-DNA position 4642, A replaced by T.
Protein change: p.Ser1548Cys; replaces serine 1548 with cysteine.
Molecular consequence: missense variant.
Genome position (GRCh38, 1-based): chr8:54,628,524, A>T. VCF-style: chr8-54628524-A-T. GRCh37 (hg19) VCF-style: chr8-55541084-A-T.
Other names: short protein forms S1548C.
Identifiers: ClinVar variation 636199 (VCV000636199.9), dbSNP rs941588545, ClinGen allele CA177182252.

ClinVar aggregate classification (germline): Uncertain significance. Review status: criteria provided, multiple submitters, no conflicts (2 of 4 stars). 4 submissions from 4 submitters: Uncertain significance (3). 1 of the submissions does not count toward it. Last evaluated 2025-06-22.

Conditions:
RP1-related disorder. Also called: RP1-related condition.
Retinitis pigmentosa (RP). Identifiers: Orphanet 791, MedGen C0035334, MeSH D012174, MONDO:0019200, OMIM 268000. Inheritance: Autosomal dominant, autosomal recessive and X linked inheritance.

Allele frequency attached by ClinVar (database versions not stated): gnomAD exomes 0.00002 and 0.00004; TOPMed 0.00002; gnomAD 0.00006.
gnomAD v4.1: 69 of 1,613,926 alleles (0.0043%); highest among the groups gnomAD compares: Non-Finnish European, 0.0058%; no homozygotes.

Submissions (4):

PreventionGenetics, part of Exact Sciences
Classification: Uncertain significance for RP1-related condition. Last evaluated: 2025-06-22. Review status: criteria provided, single submitter. Criteria: ACMG Guidelines, 2015. Collection method: clinical testing. Allele origin: germline.
Comment: The RP1 c.4642A>T variant is predicted to result in the amino acid substitution p.Ser1548Cys. This variant was reported in an individual with Retinitis pigmentosa (Jespersgaard et al. 2019. PubMed ID: 30718709). This variant is reported in 0.0054% of alleles in individuals of European (Non-Finnish) descent in gnomAD. At this time, the clinical significance of this variant is uncertain due to the absence of conclusive functional and genetic evidence.

GeneDx
Classification: Uncertain significance. Last evaluated: 2022-12-02. Review status: criteria provided, single submitter. Criteria: GeneDx Variant Classification Process June 2021. Collection method: clinical testing. Allele origin: germline. Affected: yes.
Comment: In silico analysis supports that this missense variant does not alter protein structure/function; This variant is associated with the following publications: (PMID: 30718709)

Labcorp Genetics (formerly Invitae), Labcorp
Classification: Uncertain significance. Last evaluated: 2022-02-20. Review status: criteria provided, single submitter. Criteria: Invitae Variant Classification Sherloc (09022015). Collection method: clinical testing. Allele origin: germline.
Comment: This variant is present in population databases (no rsID available, gnomAD 0.006%). In summary, the available evidence is currently insufficient to determine the role of this variant in disease. Therefore, it has been classified as a Variant of Uncertain Significance. Algorithms developed to predict the effect of missense changes on protein structure and function are either unavailable or do not agree on the potential impact of this missense change (SIFT: "Deleterious"; PolyPhen-2: "Possibly Damaging"; Align-GVGD: "Class C0"). ClinVar contains an entry for this variant (Variation ID: 636199). This missense change has been observed in individual(s) with autosomal dominant retinitis pigmentosa (PMID: 30718709). This sequence change replaces serine, which is neutral and polar, with cysteine, which is neutral and slightly polar, at codon 1548 of the RP1 protein (p.Ser1548Cys).

Department of Clinical Genetics, Copenhagen University Hospital, Rigshospitalet
Classification: Uncertain significance for Retinitis pigmentosa. Last evaluated: 2018-04-01. Review status: no assertion criteria provided. Collection method: research. Allele origin: unknown. Affected: yes. Study: VeluxRD. Not counted in ClinVar's aggregate classification.

Literature cited by the submitters: PubMed 30718709 (cited by Labcorp Genetics (formerly Invitae), Labcorp and Department of Clinical Genetics, Copenhagen University Hospital, Rigshospitalet).